The following is an entry in ClinVar:

ClinVar aggregate classification (germline): Likely benign. Review status: criteria provided, multiple submitters, no conflicts (2 of 4 stars). 3 submissions from 3 submitters: Likely benign (3). Last evaluated 2025-10-03.

Conditions:
NPHP4-related disorder. Also called: NPHP4-related condition; NPHP4-related disorders. Identifiers: MedGen CN239384.
Nephronophthisis. Also called: Juvenile Nephronophthisis. Identifiers: Orphanet 655, MedGen C0687120, MONDO:0019005, HP:0000090.

Allele frequency attached by ClinVar (database versions not stated): TOPMed below 0.00001; gnomAD 0.00001.
gnomAD v4.1: 3 of 1,599,054 alleles (0.00019%); highest among the groups gnomAD compares: Non-Finnish European, 0.00026%; no homozygotes.

Submissions (3):

PreventionGenetics, part of Exact Sciences
Classification: Likely benign for NPHP4-related condition. Last evaluated: 2025-10-03. Review status: criteria provided, single submitter. Criteria: ACMG Guidelines, 2015. Collection method: clinical testing. Allele origin: germline.
Comment: This variant is classified as likely benign based on ACMG/AMP sequence variant interpretation guidelines (Richards et al. 2015 PMID: 25741868, with internal and published modifications).

Labcorp Genetics (formerly Invitae), Labcorp
Classification: Likely benign for Nephronophthisis. Last evaluated: 2024-10-24. Review status: criteria provided, single submitter. Criteria: Invitae Variant Classification Sherloc (09022015). Collection method: clinical testing. Allele origin: germline.

Blueprint Genetics
Classification: Likely benign. Last evaluated: 2020-01-07. Review status: criteria provided, single submitter. Criteria: ACMG Guidelines, 2015. Collection method: clinical testing. Allele origin: germline.

NM_015102.5(NPHP4):c.3996+9G>T

Gene: NPHP4 (nephrocystin 4; minus strand). Cytogenetic location: 1p36.31.
Variant type: single nucleotide variant.
Coding change: c.3996+9G>T on transcript NM_015102.5 (MANE Select); 9 bases into the intron after coding-DNA position 3996, G replaced by T.
Molecular consequence: intron variant.
Genome position (GRCh38, 1-based): chr1:5,864,329, C>A on the plus strand (G>T on the coding strand, the complement: NPHP4 is on the minus strand). VCF-style: chr1-5864329-C-A. GRCh37 (hg19) VCF-style: chr1-5924389-C-A.
Other names: c.3996+9G>T (NM_015102.4); c.2457+9G>T (NM_001291593.2); c.2460+9G>T (NM_001291594.2).
Identifiers: ClinVar variation 3016989 (VCV003016989.5), dbSNP rs1038768700, ClinGen allele CA17125016.